The following is an entry in ClinVar:

NM_000152.5(GAA):c.1438-1G>C

Gene: GAA (alpha glucosidase; plus strand). Cytogenetic location: 17q25.3.
Variant type: single nucleotide variant.
Coding change: c.1438-1G>C on transcript NM_000152.5 (MANE Select); the canonical splice acceptor site of the intron before coding-DNA position 1438, G replaced by C.
Molecular consequence: splice acceptor variant.
Genome position (GRCh38, 1-based): chr17:80,110,726, G>C. VCF-style: chr17-80110726-G-C. GRCh37 (hg19) VCF-style: chr17-78084525-G-C.
Other names: c.1438-1G>C (NM_001406741.1, NM_001406742.1, NM_001079803.3 and 1 more transcripts).
Identifiers: ClinVar variation 189184 (VCV000189184.34), dbSNP rs147804176, ClinGen allele CA274472.

ClinVar aggregate classification (germline): Pathogenic. Review status: reviewed by expert panel (3 of 4 stars). 12 submissions from 12 submitters: Pathogenic (1). 11 of the submissions do not count toward it. Last evaluated 2020-05-04.

Conditions:
Glycogen storage disease, type II (IOPD). Also called: CARDIOMEGALIA GLYCOGENICA DIFFUSA; GLYCOGENOSIS, GENERALIZED, CARDIAC FORM; GSD II; Pompe Disease; Glycogen storage disease type 2; Acid maltase deficiency disease. Identifiers: Orphanet 365, MedGen C0017921, MONDO:0009290, OMIM 232300.

Allele frequency attached by ClinVar (database versions not stated): TOPMed 0.00006.
gnomAD v4.1: 5 of 1,613,694 alleles (0.00031%); highest among the groups gnomAD compares: African/African-American, 0.0067%; no homozygotes.

Submissions 1 to 9 of 12:

ClinGen Lysosomal Storage Disorder Variant Curation Expert Panel
Classification: Pathogenic for Glycogen storage disease, type II. Last evaluated: 2020-05-04. Review status: reviewed by expert panel. Criteria: ClinGen LSD ACMG Specifications v1. Collection method: curation. Allele origin: germline. Inheritance: Autosomal recessive inheritance.
Comment: The c.1438-1G>C variant alters the canonical acceptor splice site of intron 9 and is predicted to impact splicing, possibly causing skipping of exon 10 which would result in an in frame deletion that removes ~4% of the primary amino acid sequence, including part of the GAA catalytic barrel (PMIDs 1856189; 22253258; DOI 10.1101/212837). However, in silico splicing predictors indicate the presence of a strong acceptor site 15 nucleotides upstream of the normal site which could be used in the absence of the normal site (Human Splicing Finder score for the normal site is 90.43, and for the upstream site the score is 88.06; MaxEnt Scan score for the normal site is 6.83, and for the upstream site it is 6.94). If the upstream site is used, this would result in the insertion of 5 amino acids and presence of the normal exon 10 sequence. To our knowledge, no functional analysis has been performed to determine the impact of this specific variant. However, the strength of PVS1 has been reduced to PVS1_Strong to recognize impact on the protein suggested by in silico predictors. The highest population minor allele frequency for this variant in gnomAD v2.1.1 is 0.00011 in the African population, meeting PM2. Two patients with Pompe disease and meeting the ClinGen LSD VCEP's specifications for PP4 have been identified. One patient is compound heterozygous for the variant and c.1655T>C, phase unknown (p.Leu552Pro)(PMIDs 22538254). The second patient was identified in a clinical laboratory and is compound heterozygous for the variant and c.-32-13T>G, phase unknown. This data meets PM3. Pseudodeficiency variants are known to be absent in the second individual and, therefore, PP4_Moderate can be applied. Additional cases have been reported but were not included because the residual GAA activity was not provided and therefore PP4 cannot be assessed (PMIDs 27896092, 25455803), or HGVS nomenclature was not used (PMID 24495340). There is a ClinVar entry for this variant (Variation ID: 189184, 2 star review status) for which two submitters classify the variant as pathogenic, and one as likely pathogenic. In summary, this variant meets the criteria to be classified as pathogenic for Pompe disease. GAA-specific ACMG/AMP criteria applied, as specified by the ClinGen LSD VCEP: PVS1_Strong, PM2, PM3, PP4_Moderate.

Genomenon, Inc
Classification: Pathogenic for Glycogen storage disease, type II. Last evaluated: 2026-07-01. Review status: criteria provided, single submitter. Criteria: Genomenon Sequence Variant Interpretation Standards - Updated. Collection method: curation. Allele origin: germline. Affected: yes. Not counted in ClinVar's aggregate classification.
Comment: GAA c.1438-1G>C is a canonical splice variant affecting the acceptor splice site of intron 9. It is predicted to affect mRNA splicing, leading to a deleterious effect on the GAA protein. This variant has been observed in at least one proband with a GAA-related disorder (PMID:34079727;33202836;31899940;22538254;24495340). It is absent or not present at a significant frequency in gnomAD. In conclusion, we classify GAA c.1438-1G>C as a pathogenic variant.

Labcorp Genetics (formerly Invitae), Labcorp
Classification: Pathogenic for Glycogen storage disease, type II. Last evaluated: 2026-01-16. Review status: criteria provided, single submitter. Criteria: Invitae Variant Classification Sherloc (09022015). Collection method: clinical testing. Allele origin: germline. Not counted in ClinVar's aggregate classification.
Comment: This sequence change affects an acceptor splice site in intron 9 of the GAA gene. It is expected to disrupt RNA splicing. Variants that disrupt the donor or acceptor splice site typically lead to a loss of protein function (PMID: 16199547), and loss-of-function variants in GAA are known to be pathogenic (PMID: 18425781, 22252923). This variant is present in population databases (rs147804176, gnomAD 0.01%). Disruption of this splice site has been observed in individuals with infantile-onset and adult-onset autosomal recessive Pompe disease (PMID: 22538254, 24495340, 25455803, 29122469). This variant is also known as IVS9-1G>C. ClinVar contains an entry for this variant (Variation ID: 189184). Algorithms developed to predict the effect of sequence changes on RNA splicing suggest that this variant may disrupt the consensus splice site. For these reasons, this variant has been classified as Pathogenic.

Natera, Inc.
Classification: Pathogenic for Glycogen storage disease type II. Last evaluated: 2025-04-11. Review status: criteria provided, single submitter. Criteria: Natera Variant Classification Schema (03/2026). Collection method: clinical testing. Allele origin: germline. Not counted in ClinVar's aggregate classification.
Comment: The c.1438-1G>C variant in GAA is a canonical splice acceptor site variant predicted to affect pre-mRNA splicing, which may result in an abnormal transcript and altered protein product. This variant is expected to result in nonsense mediated decay, truncation, or a dysfunctional protein product. This variant is rare in the general population with a frequency below the threshold expected for the associated phenotype(s). This variant has been observed in one or more individuals affected with the associated recessive disease, as either homozygous or compound heterozygous with a second variant (PMID: 22538254, 27896092, 33202836). Given the available evidence, this variant is classified as Pathogenic.

Laboratory for Molecular Medicine, Mass General Brigham Personalized Medicine
Classification: Pathogenic for Glycogen storage disease, type II. Last evaluated: 2024-04-15. Review status: criteria provided, single submitter. Criteria: ACMG Guidelines, 2015. Collection method: clinical testing. Allele origin: germline. Inheritance: Autosomal recessive inheritance. Not counted in ClinVar's aggregate classification.
Comment: The c.1438-1G>C variant in GAA has been reported in at least 4 individuals with Pompe disease (Kroos 2008 PMID: 18425781, Prater 2012 PMID: 22538254, Vill 2015 PMID: 25455803), who had reduced GAA enzymatic activity. It has also been identified in 0.007% (5/74922) of African/African American chromosomes by gnomAD (v.4.0.0). This variant occurs within the canonical splice site (+/- 1,2) and is predicted to cause altered splicing leading to an abnormal or absent protein. However, exon 10, which is impacted by the variant, is in frame and encodes less than 10% of the GAA protein, including part of an important catalytic domain in GAA (PMID: 1856189. Moreover, in silico splicing predictors indicate the presence of a strong acceptor site 15 nucleotides upstream of the normal site which could be used in the absence of the normal site. If used, this would result in the insertion of 5 amino acids and presence of the normal exon 10 sequence. In summary, this variant meets criteria to be classified as pathogenic for autosomal recessive Pompe disease. ACMG/AMP Criteria applied: PVS1_Strong, PM3_Strong, PM2_Supporting, PP4.

Fulgent Genetics
Classification: Pathogenic for Glycogen storage disease, type II. Last evaluated: 2024-04-05. Review status: criteria provided, single submitter. Criteria: ACMG Guidelines, 2015. Collection method: clinical testing. Allele origin: germline. Not counted in ClinVar's aggregate classification.

Baylor Genetics
Classification: Pathogenic for Glycogen storage disease, type II. Last evaluated: 2023-10-02. Review status: criteria provided, single submitter. Criteria: ACMG Guidelines, 2015. Collection method: clinical testing. Allele origin: unknown. Not counted in ClinVar's aggregate classification.

Women's Health and Genetics/Laboratory Corporation of America, LabCorp
Classification: Pathogenic for Glycogen storage disease, type II. Last evaluated: 2020-04-20. Review status: criteria provided, single submitter. Criteria: LabCorp Variant Classification Summary - May 2015. Collection method: clinical testing. Allele origin: germline. Not counted in ClinVar's aggregate classification.
Comment: Variant summary: GAA c.1438-1G>C is located in a canonical splice-site and is predicted to affect mRNA splicing resulting in a significantly altered protein due to either exon skipping, shortening, or inclusion of intronic material. Several computational tools predict a significant impact on normal splicing: Four predict the variant abolishes a 3' acceptor site. However, these predictions have yet to be confirmed by functional studies. The variant was absent in 250786 control chromosomes. c.1438-1G>C has been reported in the literature in individuals affected with Glycogen Storage Disease, Type 2 (Pompe Disease- examples Raben_2002, Prater_2012, Katona_2014, Vill_2015). These data indicate that the variant is likely to be associated with disease. To our knowledge, there is no experimental evidence evaluating an impact on protein function reported in the literature. Three other clinical diagnostic laboratories have submitted clinical-significance assessments for this variant to ClinVar after 2014 without evidence for independent evaluation. All laboratories classified the variant as pathogenic/likely pathogenic. Based on the evidence outlined above, the variant was classified as pathogenic.

Revvity Omics, Revvity
Classification: Pathogenic. Last evaluated: 2020-02-28. Review status: criteria provided, single submitter. Criteria: ACMG Guidelines, 2015. Collection method: clinical testing. Allele origin: germline. Not counted in ClinVar's aggregate classification.